The following is an entry in ClinVar:

NM_001126108.2(SLC12A3):c.2099T>C (p.Leu700Pro)

Gene: SLC12A3 (solute carrier family 12 member 3; plus strand). Cytogenetic location: 16q13.
Variant type: single nucleotide variant.
Coding change: c.2099T>C on transcript NM_001126108.2 (MANE Select); coding-DNA position 2099, T replaced by C.
Protein change: p.Leu700Pro; replaces leucine 700 with proline.
Molecular consequence: missense variant.
Genome position (GRCh38, 1-based): chr16:56,887,014, T>C. VCF-style: chr16-56887014-T-C. GRCh37 (hg19) VCF-style: chr16-56920926-T-C.
Other names: c.2099T>C (NM_000339.2); c.2099T>C, p.Leu700Pro (NM_000339.3); c.2096T>C, p.Leu699Pro (NM_001126107.2, NM_001410896.1); short protein forms L699P, L700P.
Identifiers: ClinVar variation 3233922 (VCV003233922.4), dbSNP rs2543523215, ClinGen allele CA395993782.

ClinVar aggregate classification (germline): Pathogenic. Review status: criteria provided, multiple submitters, no conflicts (2 of 4 stars). 3 submissions from 3 submitters: Pathogenic (3). Last evaluated 2025-09-10.

Conditions:
Familial hypokalemia-hypomagnesemia (GTLMNS). Also called: HYPOMAGNESEMIA-HYPOKALEMIA, PRIMARY RENOTUBULAR, WITH HYPOCALCIURIA; POTASSIUM AND MAGNESIUM DEPLETION; gitelman syndrome. Identifiers: Orphanet 358, MedGen C0268450, MONDO:0009904, OMIM 263800.

Submissions (3):

Natera, Inc.
Classification: Pathogenic for Gitelman syndrome. Last evaluated: 2025-09-10. Review status: criteria provided, single submitter. Criteria: Natera Variant Classification Schema (03/2026). Collection method: clinical testing. Allele origin: germline.
Comment: The c.2099T>C variant in SLC12A3 is a missense variant predicted to cause substitution of leucine to proline at amino acid 700. This variant is rare in the general population with a frequency below the threshold expected for the associated phenotype(s). This variant has been observed in one or more individuals affected with the associated recessive disease, as either homozygous or compound heterozygous with a second variant (PMID: 27454426, 30596175). Computational prediction algorithms indicate this variant is likely to affect gene or protein function. Given the available evidence, this variant is classified as Pathogenic.

Fulgent Genetics
Classification: Pathogenic for Familial hypokalemia-hypomagnesemia. Last evaluated: 2024-03-19. Review status: criteria provided, single submitter. Criteria: ACMG Guidelines, 2015. Collection method: clinical testing. Allele origin: germline.

Women's Health and Genetics/Laboratory Corporation of America, LabCorp
Classification: Pathogenic for Familial hypokalemia-hypomagnesemia. Last evaluated: 2024-03-15. Review status: criteria provided, single submitter. Criteria: LabCorp Variant Classification Summary - May 2015. Collection method: clinical testing. Allele origin: germline.
Comment: Variant summary: SLC12A3 c.2099T>C (p.Leu700Pro) results in a non-conservative amino acid change in the encoded protein sequence. Five of five in-silico tools predict a damaging effect of the variant on protein function. The variant was absent in 251294 control chromosomes (gnomAD). c.2099T>C has been reported in the literature in multiple individuals affected with Familial Hypokalemia-Hypomagnesemia (e.g. Lee_2016, Zhang_2016, Zhong_2019, Fujimura_2019). These data indicate that the variant is very likely to be associated with disease. The following publications have been ascertained in the context of this evaluation (PMID: 26770037, 27783806, 30413979, 30596175). No submitters have cited clinical-significance assessments for this variant to ClinVar. Based on the evidence outlined above, the variant was classified as pathogenic.

Literature cited by the submitters: PubMed 27454426 (cited by Natera, Inc.); PubMed 30596175 (cited by Natera, Inc. and Women's Health and Genetics/Laboratory Corporation of America, LabCorp); PubMed 30413979 (cited by Women's Health and Genetics/Laboratory Corporation of America, LabCorp); PubMed 26770037 (cited by Women's Health and Genetics/Laboratory Corporation of America, LabCorp); PubMed 27783806 (cited by Women's Health and Genetics/Laboratory Corporation of America, LabCorp).